The following is an entry in ClinVar:

NM_018006.5(TRMU):c.191T>G (p.Leu64Ter)

Gene: TRMU (tRNA mitochondrial 2-thiouridylase; plus strand). Cytogenetic location: 22q13.31.
Variant type: single nucleotide variant.
Coding change: c.191T>G on transcript NM_018006.5 (MANE Select); coding-DNA position 191, T replaced by G.
Protein change: p.Leu64Ter; replaces leucine 64 with a stop codon.
Molecular consequence: nonsense. On other transcripts: 5 prime UTR variant (3), non-coding transcript variant (2).
Genome position (GRCh38, 1-based): chr22:46,337,887, T>G. VCF-style: chr22-46337887-T-G. GRCh37 (hg19) VCF-style: chr22-46733784-T-G.
Other names: c.-45T>G (NM_001282782.2); c.-64T>G (NM_001282783.2, NM_001282784.2); c.191T>G, p.Leu64Ter (NM_001282785.2); short protein forms L64*.
Identifiers: ClinVar variation 5016091 (VCV005016091.1).

ClinVar aggregate classification (germline): Pathogenic (1 of 4 stars; one submission).

Conditions:
Acute infantile liver failure due to synthesis defect of mtDNA-encoded proteins. Also called: Liver failure acute infantile; LIVER FAILURE, INFANTILE, TRANSIENT; TRMU Deficiency. Identifiers: Orphanet 217371, MedGen C3278664, MONDO:0013111, OMIM 613070.

Submission:

Myriad Genetics, Inc.
Classification: Pathogenic for Acute infantile liver failure due to synthesis defect of mtDNA-encoded proteins. Last evaluated: 2026-06-29. Review status: criteria provided, single submitter. Criteria: Myriad Autosomal Dominant, Autosomal Recessive and X-Linked Classification Criteria (2023). Collection method: clinical testing. Allele origin: unknown.
Comment: NM_018006.4(TRMU):c.191T>G(L64*) is expected to be pathogenic in the context of acute liver failure, TRMU-related. This variant is predicted to lead to an abnormal or absent protein product due to the creation of a premature termination codon in TRMU, a gene where loss-of-function variants are known to be pathogenic. Please note: this variant was assessed in the context of healthy population screening.